The following is an entry in ClinVar:

NM_000170.3(GLDC):c.2664T>A (p.Tyr888Ter)

Gene: GLDC (glycine decarboxylase; minus strand). Cytogenetic location: 9p24.1.
Variant type: single nucleotide variant.
Coding change: c.2664T>A on transcript NM_000170.3 (MANE Select); coding-DNA position 2664, T replaced by A.
Protein change: p.Tyr888Ter; replaces tyrosine 888 with a stop codon.
Molecular consequence: nonsense.
Genome position (GRCh38, 1-based): chr9:6,540,052, A>T on the plus strand (T>A on the coding strand, the complement: GLDC is on the minus strand). VCF-style: chr9-6540052-A-T. GRCh37 (hg19) VCF-style: chr9-6540052-A-T.
Other names: short protein forms Y888*.
Identifiers: ClinVar variation 5016251 (VCV005016251.1).

ClinVar aggregate classification (germline): Pathogenic (1 of 4 stars; one submission).

Conditions:
Glycine encephalopathy 1 (GCE1). Identifiers: MedGen CN376801, MONDO:0958179, OMIM 605899.

Submission:

Myriad Genetics, Inc.
Classification: Pathogenic for Glycine encephalopathy 1. Last evaluated: 2026-08-18. Review status: criteria provided, single submitter. Criteria: Myriad Autosomal Dominant, Autosomal Recessive and X-Linked Classification Criteria (2023). Collection method: clinical testing. Allele origin: unknown.
Comment: NM_000170.2(GLDC):c.2664T>A(Y888*) is expected to be pathogenic in the context of glycine encephalopathy, GLDC-related. This variant is predicted to lead to an abnormal or absent protein product due to the creation of a premature termination codon in GLDC, a gene where loss-of-function variants are known to be pathogenic. Please note: this variant was assessed in the context of healthy population screening.